The following is an entry in ClinVar:

NM_001278716.2(FBXL4):c.637C>T (p.Leu213Phe)

Gene: FBXL4 (F-box and leucine rich repeat protein 4; minus strand). Cytogenetic location: 6q16.2.
Variant type: single nucleotide variant.
Coding change: c.637C>T on transcript NM_001278716.2 (MANE Select); coding-DNA position 637, C replaced by T.
Protein change: p.Leu213Phe; replaces leucine 213 with phenylalanine.
Molecular consequence: missense variant.
Genome position (GRCh38, 1-based): chr6:98,917,595, G>A on the plus strand (C>T on the coding strand, the complement: FBXL4 is on the minus strand). VCF-style: chr6-98917595-G-A. GRCh37 (hg19) VCF-style: chr6-99365471-G-A.
Other names: c.637C>T, p.Leu213Phe (NM_012160.5); short protein forms L213F.
Identifiers: ClinVar variation 437607 (VCV000437607.1), dbSNP rs749286898, ClinGen allele CA3933646.

ClinVar aggregate classification (germline): Uncertain significance (1 of 4 stars; one submission).

Conditions:
Mitochondrial DNA depletion syndrome 13. Also called: FBXL4-Related Encephalomyopathic Mitochondrial DNA Depletion Syndrome; Mitochondrial DNA depletion syndrome 13 (encephalomyopathic type). Identifiers: Orphanet 369897, MedGen C3809592, MONDO:0014198, OMIM 615471.

Allele frequency attached by ClinVar (database versions not stated): gnomAD exomes below 0.00001; ExAC 0.00001.
gnomAD v4.1: 2 of 1,613,990 alleles (0.00012%); highest among the groups gnomAD compares: Non-Finnish European, 0.000085%; no homozygotes.

Submission:

Wong Mito Lab, Molecular and Human Genetics, Baylor College of Medicine
Classification: Uncertain significance for Mitochondrial DNA depletion syndrome 13. Last evaluated: 2017-08-10. Review status: criteria provided, single submitter. Criteria: ACMG Guidelines, 2015. Collection method: reference population. Allele origin: germline.
Comment: The NM_012160.4:c.637C>T (NP_036292.2:p.Leu213Phe) [GRCH38: NC_000006.12:g.98917595G>A] variant in FBXL4 gene is interpretated to be a Uncertain Significance - Insufficient Evidence based on ACMG guidelines (PMID: 25741868). This variant meets one or more of the following evidence codes reported in the ACMG-guideline. PM2:This variant is absent in key population databases. Based on this evidence code ClinGen Pathogenicity Calculator (PMID:28081714) suggested that the variant is Uncertain Significance - Insufficient Evidence.